The following is an entry in ClinVar:

ClinVar aggregate classification (germline): Pathogenic (1 of 4 stars; one submission).

Conditions:
Rauch-Steindl syndrome (RAUST). Identifiers: Orphanet 659642, MedGen C5562061, MONDO:0859219, OMIM 619695.

Submission:

Institute of Human Genetics, University of Leipzig Medical Center
Classification: Pathogenic for Rauch-Steindl syndrome. Last evaluated: 2022-07-19. Review status: criteria provided, single submitter. Criteria: ACMG Guidelines, 2015. Collection method: clinical testing. Allele origin: de novo. Affected: yes.
Comment: This variant was identified as de novo (maternity and paternity confirmed)._x000D_ Criteria applied: PVS1, PS2_MOD, PM2_SUP

NM_001042424.3(NSD2):c.1947_1948del (p.Glu650fs)

Gene: NSD2 (nuclear receptor binding SET domain protein 2; plus strand). Cytogenetic location: 4p16.3.
Variant type: Deletion.
Coding change: c.1947_1948del on transcript NM_001042424.3 (MANE Select); coding-DNA positions 1947 to 1948, 2 bases deleted (TG; older notation c.1947_1948delTG).
Protein change: p.Glu650fs; shifts the reading frame from glutamic acid 650.
Molecular consequence: frameshift variant.
Genome position (GRCh38, 1-based): chr4:1,951,137-1,951,138, TG deleted. VCF-style (leftmost placement, unchanged base first): chr4-1951136-CTG-C. GRCh37 (hg19) VCF-style: chr4-1952863-CTG-C.
Other names: c.1947_1948del, p.Glu650fs (NM_133330.3, NM_133331.3, NM_133335.4); short protein forms E650fs.
Identifiers: ClinVar variation 1697318 (VCV001697318.1), dbSNP rs2108940433, ClinGen allele CA2580070693.